The following is an entry in ClinVar:

NM_000492.4(CFTR):c.2909-2A>G

Genes: CFTR (CF transmembrane conductance regulator; plus strand), CFTR-AS2 (CFTR antisense RNA 2; minus strand). Cytogenetic location: 7q31.2.
Variant type: single nucleotide variant.
Coding change: c.2909-2A>G on transcript NM_000492.4 (MANE Select); the canonical splice acceptor site of the intron before coding-DNA position 2909, A replaced by G.
Molecular consequence: splice acceptor variant.
Genome position (GRCh38, 1-based): chr7:117,606,672, A>G. VCF-style: chr7-117606672-A-G. GRCh37 (hg19) VCF-style: chr7-117246726-A-G.
Identifiers: ClinVar variation 4887749 (VCV004887749.1).

ClinVar aggregate classification (germline): Likely pathogenic (1 of 4 stars; one submission).

Conditions:
Cystic fibrosis (CF). Also called: MUCOVISCIDOSIS. Identifiers: Orphanet 586, MedGen C0010674, MONDO:0009061, OMIM 219700. Disease mechanism: loss of function.

Submission:

Women's Health and Genetics/Laboratory Corporation of America, LabCorp
Classification: Likely pathogenic for Cystic fibrosis. Last evaluated: 2026-06-23. Review status: criteria provided, single submitter. Criteria: LabCorp Variant Classification Summary - May 2015. Collection method: clinical testing. Allele origin: germline.
Comment: Variant summary: CFTR c.2909-2A>G is located in a canonical splice-site and is predicted to affect mRNA splicing resulting in a significantly altered protein due to either exon skipping, shortening, or inclusion of intronic material. Variants that disrupt the consensus splice site are a relatively common cause of aberrant splicing and loss of CFTR function. Several computational tools predict a significant impact on normal splicing: Three predict the variant abolishes a 3' acceptor site. However, these predictions have yet to be confirmed by functional studies. The frequency data for this variant in gnomAD is considered unreliable, as metrics indicate poor data quality at this position. To our knowledge, no occurrence of c.2909-2A>G in individuals affected with CFTR-related conditions and no experimental evidence demonstrating its impact on protein function have been reported. No submitters have cited clinical-significance assessments for this variant to ClinVar. Based on the evidence outlined above, the variant was classified as likely pathogenic.